The following is an entry in ClinVar:

NM_000540.3(RYR1):c.286G>C (p.Gly96Arg)

Gene: RYR1 (ryanodine receptor 1; plus strand). Cytogenetic location: 19q13.2.
Variant type: single nucleotide variant.
Coding change: c.286G>C on transcript NM_000540.3 (MANE Select); coding-DNA position 286, G replaced by C.
Protein change: p.Gly96Arg; replaces glycine 96 with arginine.
Molecular consequence: missense variant.
Genome position (GRCh38, 1-based): chr19:38,443,573, G>C. VCF-style: chr19-38443573-G-C. GRCh37 (hg19) VCF-style: chr19-38934213-G-C.
Other names: c.286G>C, p.Gly96Arg (NM_001042723.2); short protein forms G96R.
Identifiers: ClinVar variation 3071002 (VCV003071002.1), dbSNP rs1972795311, ClinGen allele CA405675003.
Genomic context (GRCh38, chr19:38,443,573, plus strand): 5'-AGTCCGGGGATCTGTGCTTATTCTGTTCCCTCCCTCCCCCTGCAGTCATCCCAGGGCGGG[G>C]GACACAGGACGCTCCTGTATGGCCATGCCATCCTGCTCCGGCATGCACACAGCCGCATGG-3'
Protein context (NP_000531.2, residues 86-106): EAGVESSQGG[Gly96Arg]HRTLLYGHAI

ClinVar aggregate classification (germline): Uncertain significance (1 of 4 stars; one submission).

Conditions:
Malignant hyperthermia, susceptibility to, 1 (MHS1). Also called: Anesthesia related hyperthermia; Malignant hyperpyrexia; Fulminating hyperpyrexia; Pharmacogenic myopathy; RYR1-Related Malignant Hyperthermia Susceptibility; Malignant hyperthermia suceptibility 1. Identifiers: Orphanet 423, MedGen C2930980, MONDO:0007783, OMIM 145600.

Submission:

All of Us Research Program, National Institutes of Health
Classification: Uncertain significance for Malignant hyperthermia, susceptibility to, 1. Last evaluated: 2023-05-16. Review status: criteria provided, single submitter. Criteria: ACMG Guidelines, 2015. Collection method: clinical testing. Allele origin: germline. Inheritance: Autosomal dominant inheritance. Observed: 1 variant allele, 1 heterozygote.
Comment: This missense variant replaces glycine with arginine at codon 96 of the RYR1 protein. Computational prediction suggests that this variant may have deleterious impact on protein structure and function (internally defined REVEL score threshold >= 0.7, PMID: 27666373). To our knowledge, functional studies have not been reported for this variant. This variant has not been reported in individuals affected with RYR1-related disorders in the literature. This variant has not been identified in the general population by the Genome Aggregation Database (gnomAD). The available evidence is insufficient to determine the role of this variant in disease conclusively. Therefore, this variant is classified as a Variant of Uncertain Significance.

This study involves interpretation of variants in research participants for the purpose of population health screening. Participant phenotype was not available at the time of variant classification. Additional details can be found in publication PMID: 35346344, PMCID: PMC8962531